The following is an entry in ClinVar:

ClinVar aggregate classification (germline): Benign/Likely benign. Review status: criteria provided, multiple submitters, no conflicts (2 of 4 stars). 5 submissions from 5 submitters: Benign (3); Likely benign (1). 1 of the submissions does not count toward it. Last evaluated 2026-06-01.

Conditions:
AHDC1-related intellectual disability - obstructive sleep apnea - mild dysmorphism syndrome. Also called: Xia-Gibbs syndrome. Identifiers: Orphanet 412069, MedGen C4014419, MONDO:0014358, OMIM 615829.
AHDC1-related disorder. Also called: AHDC1-related condition.

Allele frequency attached by ClinVar (database versions not stated): TOPMed 0.00052; gnomAD 0.00058 and 0.00060; ESP Exome Variant Server 0.00070; 1000 Genomes Project 30x 0.00109; 1000 Genomes Project 0.00120.
gnomAD v4.1: 183 of 1,608,374 alleles (0.011%); highest among the groups gnomAD compares: African/African-American, 0.22%; no homozygotes.

Submissions (5):

CeGaT Center for Human Genetics Tuebingen
Classification: Likely benign. Last evaluated: 2026-06-01. Review status: criteria provided, single submitter. Criteria: CeGaT Center For Human Genetics Tuebingen Variant Classification Criteria Version 2. Collection method: clinical testing. Allele origin: germline. Affected: yes. Observed: 1 variant allele.
Comment: AHDC1: BP4, BP7

Labcorp Genetics (formerly Invitae), Labcorp
Classification: Benign. Last evaluated: 2026-01-21. Review status: criteria provided, single submitter. Criteria: Invitae Variant Classification Sherloc (09022015). Collection method: clinical testing. Allele origin: germline.

Genome-Nilou Lab
Classification: Benign for AHDC1-related intellectual disability - obstructive sleep apnea - mild dysmorphism syndrome. Last evaluated: 2021-12-05. Review status: criteria provided, single submitter. Criteria: ACMG Guidelines, 2015. Collection method: clinical testing. Allele origin: germline. Affected: no.

GeneDx
Classification: Benign. Last evaluated: 2020-06-07. Review status: criteria provided, single submitter. Criteria: GeneDx Variant Classification Process June 2021. Collection method: clinical testing. Allele origin: germline. Affected: yes.

PreventionGenetics, part of Exact Sciences
Classification: Likely benign for AHDC1-related condition. Last evaluated: 2019-03-08. Review status: no assertion criteria provided. Collection method: clinical testing. Allele origin: germline. Not counted in ClinVar's aggregate classification.
Comment: This variant is classified as likely benign based on ACMG/AMP sequence variant interpretation guidelines (Richards et al. 2015 PMID: 25741868, with internal and published modifications).

NM_001371928.1(AHDC1):c.4533G>A (p.Thr1511=)

Gene: AHDC1 (AT-hook DNA binding motif containing 1; minus strand). Cytogenetic location: 1p36.11.
Variant type: single nucleotide variant.
Coding change: c.4533G>A on transcript NM_001371928.1 (MANE Select); coding-DNA position 4533, G replaced by A.
Protein change: p.Thr1511=; no amino-acid change (threonine 1511 retained).
Molecular consequence: synonymous variant.
Genome position (GRCh38, 1-based): chr1:27,547,583, C>T on the plus strand (G>A on the coding strand, the complement: AHDC1 is on the minus strand). VCF-style: chr1-27547583-C-T. GRCh37 (hg19) VCF-style: chr1-27874094-C-T.
Other names: c.4533G>A (NM_001029882.2); c.4533G>A, p.Thr1511= (NM_001029882.3).
Identifiers: ClinVar variation 760719 (VCV000760719.16), dbSNP rs139569820, ClinGen allele CA715343.